The following continues an entry in ClinVar:

NM_004415.4(DSP):c.6307A>G (p.Lys2103Glu)

Gene: DSP. ClinVar aggregate classification (germline): Conflicting classifications of pathogenicity. Uncertain significance (12); Likely benign (3).

Submissions 11 to 15 of 15:

Victorian Clinical Genetics Services, Murdoch Childrens Research Institute
Classification: Uncertain significance for Lethal acantholytic epidermolysis bullosa. Last evaluated: 2021-05-06. Review status: criteria provided, single submitter. Criteria: ACMG Guidelines, 2015. Collection method: clinical testing. Allele origin: germline.
Comment: Based on the classification scheme VCGS_Germline_v1.3.4, this variant is classified as VUS-3C. Following criteria are met: 0102 - Loss of function is a known mechanism of disease in this gene and is associated with a variety of DSP-related cardiac disorders (MIM#607450, 605676, 615821) and DSP-related skin disorders (MIM#609638, 612908, 607655). (I) 0108 - This gene is associated with both recessive and dominant disease (OMIM). (I) 0112 - The condition associated with this gene has incomplete penetrance, which is age dependent for arrhythmogenic cardiomyopathy (PMID: 29062697). (I) 0115 - Variants in this gene are known to have variable expressivity for arrhythmogenic cardiomyopathy (PMID: 29062697). (I) 0200 - Variant is predicted to result in a missense amino acid change from lysine to glutamic acid. (I) 0251 - This variant is heterozygous. (I) 0302 - Variant is present in gnomAD <0.001 for a dominant condition (v2: 37 heterozygotes, 0 homozygotes). (SP) 0502 - Missense variant with conflicting in silico predictions and uninformative conservation. (I) 0600 - Variant is located in the annotated Plectin repeat (NCBI). (I) 0705 - No comparable missense variants have previous evidence for pathogenicity. (I) 0808 - Previous reports of pathogenicity for this variant are conflicting. This variant has been identified in patients who suffered sudden cardiac arrests and dilated cardiomyopathy. It was also one of three variants identified in a patient with stress-induced cardiomyopathy, although the causative variant was not indicated. Finally, this variant has been classified as a VUS by diagnostic laboratories in ClinVar (PMID: 31378211, 29915098, 28416588, 26606670; ClinVar). (I) 0905 - No published segregation evidence has been identified for this variant. (I) 1007 - No published functional evidence has been identified for this variant. (I) 1208 - Inheritance information for this variant is not currently available in this individual. (I) Legend: (SP) - Supporting pathogenic, (I) - Information, (SB) - Supporting benign

Illumina Laboratory Services, Illumina
Classification: Uncertain significance for Arrhythmogenic cardiomyopathy with wooly hair and keratoderma. Last evaluated: 2018-01-13. Review status: criteria provided, single submitter. Criteria: ICSL Variant Classification Criteria 13 December 2019. Collection method: clinical testing. Allele origin: germline.

Illumina Laboratory Services, Illumina
Classification: Uncertain significance for Arrhythmogenic right ventricular dysplasia 8. Last evaluated: 2018-01-13. Review status: criteria provided, single submitter. Criteria: ICSL Variant Classification Criteria 13 December 2019. Collection method: clinical testing. Allele origin: germline.

Illumina Laboratory Services, Illumina
Classification: Uncertain significance for Lethal acantholytic epidermolysis bullosa. Last evaluated: 2018-01-13. Review status: criteria provided, single submitter. Criteria: ICSL Variant Classification Criteria 13 December 2019. Collection method: clinical testing. Allele origin: germline.

CSER _CC_NCGL, University of Washington
Classification: Uncertain significance for Arrhythmogenic right ventricular dysplasia. Last evaluated: 2016-10-01. Review status: criteria provided, single submitter. Criteria: Amendola et al. (Genome Res. 2015). Collection method: research. Allele origin: germline. Affected: no. Study: CSER - NEXT Medicine variant annotation.
Comment: This interpretation considers GERP score and allele frequency data, in addition to published reports of the variant in the literature, available at the time of review.

Literature cited by the submitters: PubMed 28416588 (cited by 3 submitters); PubMed 31378211 (cited by 3 submitters); PubMed 26606670 (cited by Ambry Genetics and Victorian Clinical Genetics Services, Murdoch Childrens Research Institute); PubMed 29915098 (cited by Ambry Genetics and Victorian Clinical Genetics Services, Murdoch Childrens Research Institute); PubMed 31514951 (cited by Ambry Genetics); PubMed 29062697 (cited by Victorian Clinical Genetics Services, Murdoch Childrens Research Institute).